The following is an entry in ClinVar:

NM_001040108.2(MLH3):c.3895G>A (p.Val1299Ile)

Gene: MLH3 (mutL homolog 3; minus strand). Cytogenetic location: 14q24.3.
Variant type: single nucleotide variant.
Coding change: c.3895G>A on transcript NM_001040108.2 (MANE Select); coding-DNA position 3895, G replaced by A.
Protein change: p.Val1299Ile; replaces valine 1299 with isoleucine.
Molecular consequence: missense variant.
Genome position (GRCh38, 1-based): chr14:75,030,635, C>T on the plus strand (G>A on the coding strand, the complement: MLH3 is on the minus strand). VCF-style: chr14-75030635-C-T. GRCh37 (hg19) VCF-style: chr14-75497338-C-T.
Other names: c.3823G>A, p.Val1275Ile (NM_014381.3); short protein forms V1275I, V1299I.
Identifiers: ClinVar variation 1735933 (VCV001735933.2), dbSNP rs752392765, ClinGen allele CA7275303.
Genomic context (GRCh38, chr14:75,030,635, plus strand): 5'-CTCTCCGAAGTTCATTGGCTTCTCTTTCCACAAAACATAGTGGTACTTTTCCCACAAGGA[C>T]CAGAGAATCACTAGTGTCTGGAAATACAAATTCAAGGCCCAGATCTTCCAGATTTTTGTG-3'
Protein context (NP_001035197.1, residues 1289-1309): FVFPDTSDSL[Val1299Ile]LVGKVPLCFV

ClinVar aggregate classification (germline): Uncertain significance (1 of 4 stars; one submission).

Allele frequency attached by ClinVar (database versions not stated): gnomAD exomes below 0.00001; ExAC 0.00001; TOPMed 0.00001; gnomAD 0.00002.
gnomAD v4.1: 5 of 1,613,704 alleles (0.00031%); highest among the groups gnomAD compares: African/African-American, 0.004%; no homozygotes.

Submission:

Ambry Genetics
Classification: Uncertain significance. Last evaluated: 2022-08-09. Review status: criteria provided, single submitter. Criteria: Ambry Variant Classification Scheme 2023. Collection method: clinical testing. Allele origin: germline.
Comment: The p.V1299I variant (also known as c.3895G>A), located in coding exon 8 of the MLH3 gene, results from a G to A substitution at nucleotide position 3895. The valine at codon 1299 is replaced by isoleucine, an amino acid with highly similar properties. This amino acid position is conserved. In addition, this alteration is predicted to be tolerated by in silico analysis. Since supporting evidence is limited at this time, the clinical significance of this alteration remains unclear.